The following is an entry in ClinVar:

ClinVar aggregate classification (germline): Uncertain significance. Review status: criteria provided, multiple submitters, no conflicts (2 of 4 stars). 2 submissions from 2 submitters: Uncertain significance (2). Last evaluated 2024-02-20.

Conditions:
DICER1-related tumor predisposition. Also called: DICER1 syndrome; DICER1-related pleuropulmonary blastoma cancer predisposition syndrome. Identifiers: Orphanet 284343, MedGen C3839822, MONDO:0100216.
Hereditary cancer-predisposing syndrome. Also called: Hereditary Cancer Syndrome; Hereditary neoplastic syndrome; Tumor predisposition; Neoplastic Syndromes, Hereditary. Identifiers: Orphanet 140162, MedGen C0027672, MeSH D009386, MONDO:0015356.

Allele frequency attached by ClinVar (database versions not stated): gnomAD exomes below 0.00001.
gnomAD v4.1: 2 of 1,614,224 alleles (0.00012%); highest among the groups gnomAD compares: Non-Finnish European, 0.00017%; no homozygotes.

Submissions (2):

Ambry Genetics
Classification: Uncertain significance for Hereditary cancer-predisposing syndrome. Last evaluated: 2024-02-20. Review status: criteria provided, single submitter. Criteria: Ambry Variant Classification Scheme 2023. Collection method: clinical testing. Allele origin: germline.
Comment: The p.K1595T variant (also known as c.4784A>C), located in coding exon 22 of the DICER1 gene, results from an A to C substitution at nucleotide position 4784. The lysine at codon 1595 is replaced by threonine, an amino acid with similar properties. This amino acid position is conserved. In addition, the in silico prediction for this alteration is inconclusive. Based on the available evidence, the clinical significance of this alteration remains unclear.

Labcorp Genetics (formerly Invitae), Labcorp
Classification: Uncertain significance for DICER1-related tumor predisposition. Last evaluated: 2023-01-09. Review status: criteria provided, single submitter. Criteria: Invitae Variant Classification Sherloc (09022015). Collection method: clinical testing. Allele origin: germline.
Comment: This variant has not been reported in the literature in individuals affected with DICER1-related conditions. This variant is not present in population databases (gnomAD no frequency). This sequence change replaces lysine, which is basic and polar, with threonine, which is neutral and polar, at codon 1595 of the DICER1 protein (p.Lys1595Thr). ClinVar contains an entry for this variant (Variation ID: 1362131). In summary, the available evidence is currently insufficient to determine the role of this variant in disease. Therefore, it has been classified as a Variant of Uncertain Significance. Advanced modeling of protein sequence and biophysical properties (such as structural, functional, and spatial information, amino acid conservation, physicochemical variation, residue mobility, and thermodynamic stability) performed at Invitae indicates that this missense variant is not expected to disrupt DICER1 protein function.

NM_177438.3(DICER1):c.4784A>C (p.Lys1595Thr)

Gene: DICER1 (dicer 1, ribonuclease III; minus strand). Cytogenetic location: 14q32.13.
Variant type: single nucleotide variant.
Coding change: c.4784A>C on transcript NM_177438.3 (MANE Select); coding-DNA position 4784, A replaced by C.
Protein change: p.Lys1595Thr; replaces lysine 1595 with threonine.
Molecular consequence: missense variant.
Genome position (GRCh38, 1-based): chr14:95,096,136, T>G on the plus strand (A>C on the coding strand, the complement: DICER1 is on the minus strand). VCF-style: chr14-95096136-T-G. GRCh37 (hg19) VCF-style: chr14-95562473-T-G.
Other names: c.4784A>C (NM_177438.2); c.4784A>C, p.Lys1595Thr (NM_001195573.1, NM_001271282.3, NM_001291628.2 and 1 more transcripts); short protein forms K1595T.
Identifiers: ClinVar variation 1362131 (VCV001362131.8), dbSNP rs2139843550, ClinGen allele CA390867187.